The following is an entry in ClinVar:

NM_001195553.2(DCX):c.665C>T (p.Thr222Ile)

Gene: DCX (doublecortin; minus strand). Cytogenetic location: Xq23.
Variant type: single nucleotide variant.
Coding change: c.665C>T on transcript NM_001195553.2 (MANE Select); coding-DNA position 665, C replaced by T.
Protein change: p.Thr222Ile; replaces threonine 222 with isoleucine.
Molecular consequence: missense variant.
Genome position (GRCh38, 1-based): chrX:111,401,030, G>A on the plus strand (C>T on the coding strand, the complement: DCX is on the minus strand). VCF-style: chrX-111401030-G-A. GRCh37 (hg19) VCF-style: chrX-110644258-G-A.
Other names: c.908C>T, p.Thr303Ile (NM_000555.3); c.665C>T, p.Thr222Ile (NM_001369370.1, NM_001369371.1, NM_001369372.1 and 5 more transcripts); short protein forms T222I, T303I.
Identifiers: ClinVar variation 800524 (VCV000800524.1), dbSNP rs1603423268, ClinGen allele CA414245878.
Genomic context (GRCh38, chrX:111,401,030, plus strand): 5'-TACTTTGAAAAAGTACCTACCTGTTTTCCATCCAGAGTGTAGAGTTTTTTGACAACCCCG[G>A]TCTCCAGTTTGATGGCTTCTGTGATATCAGTGAGGACTTGCTCAAAAGAGTGGGCTGTCT-3'
Protein context (NP_001182482.1, residues 212-232): TDITEAIKLE[Thr222Ile]GVVKKLYTLD

ClinVar aggregate classification (germline): Likely pathogenic (1 of 4 stars; one submission).

Conditions:
Lissencephaly type 1 due to doublecortin gene mutation. Also called: LISSENCEPHALY, X-LINKED, 1; LISSENCEPHALY AND AGENESIS OF CORPUS CALLOSUM. Identifiers: Orphanet 2148, MedGen C4551968, MONDO:0010239, OMIM 300067.

Submission:

Broad Center for Mendelian Genomics, Broad Institute of MIT and Harvard
Classification: Likely pathogenic for Lissencephaly type 1 due to doublecortin gene mutation. Last evaluated: 2018-11-15. Review status: criteria provided, single submitter. Criteria: ACMG Guidelines, 2015. Collection method: research. Allele origin: de novo. Inheritance: X-linked inheritance. Affected: yes.
Comment: Trio exome analysis showed this variant to be de novo. This variant was absent from large population studies. Computational prediction tools and conservation analyses do not provide strong support for or against an impact to the protein. In summary, although additional studies are required to fully establish its clinical significance, this variant is likely pathogenic.